The following is an entry in ClinVar:

NM_014244.5(ADAMTS2):c.2457+1G>A

Gene: ADAMTS2 (ADAM metallopeptidase with thrombospondin type 1 motif 2; minus strand). Cytogenetic location: 5q35.3.
Variant type: single nucleotide variant.
Coding change: c.2457+1G>A on transcript NM_014244.5 (MANE Select); the canonical splice donor site of the intron after coding-DNA position 2457, G replaced by A.
Molecular consequence: splice donor variant.
Genome position (GRCh38, 1-based): chr5:179,129,931, C>T on the plus strand (G>A on the coding strand, the complement: ADAMTS2 is on the minus strand). VCF-style: chr5-179129931-C-T. GRCh37 (hg19) VCF-style: chr5-178556932-C-T.
Identifiers: ClinVar variation 1510020 (VCV001510020.6), dbSNP rs2113199896, ClinGen allele CA362423833.

ClinVar aggregate classification (germline): Likely pathogenic (1 of 4 stars; one submission).

Conditions:
Ehlers-Danlos syndrome, dermatosparaxis type. Also called: Dermatosparaxis; Ehlers-Danlos syndrome, type VII, autosomal recessive; EDS VIIC. Identifiers: Orphanet 1901, MedGen C2700425, MONDO:0009161, OMIM 225410.

Submission:

Labcorp Genetics (formerly Invitae), Labcorp
Classification: Likely pathogenic for Ehlers-Danlos syndrome, dermatosparaxis type. Last evaluated: 2021-09-15. Review status: criteria provided, single submitter. Criteria: Invitae Variant Classification Sherloc (09022015). Collection method: clinical testing. Allele origin: germline.
Comment: In summary, the currently available evidence indicates that the variant is pathogenic, but additional data are needed to prove that conclusively. Therefore, this variant has been classified as Likely Pathogenic. Algorithms developed to predict the effect of sequence changes on RNA splicing suggest that this variant may disrupt the consensus splice site. This variant has not been reported in the literature in individuals affected with ADAMTS2-related conditions. This variant is not present in population databases (ExAC no frequency). This sequence change affects a donor splice site in intron 16 of the ADAMTS2 gene. It is expected to disrupt RNA splicing. Variants that disrupt the donor or acceptor splice site typically lead to a loss of protein function (PMID: 16199547), and loss-of-function variants in ADAMTS2 are known to be pathogenic (PMID: 10417273).

Literature cited by the submitters: PubMed 16199547; PubMed 10417273.